The following is an entry in ClinVar:

ClinVar aggregate classification (germline): Likely benign (1 of 4 stars; one submission).

Allele frequency attached by ClinVar (database versions not stated): gnomAD 0.00001.
gnomAD v4.1: 21 of 1,544,388 alleles (0.0014%); highest among the groups gnomAD compares: African/African-American, 0.0027%; no homozygotes.

Submission:

GeneDx
Classification: Likely benign. Last evaluated: 2018-04-06. Review status: criteria provided, single submitter. Criteria: GeneDx Variant Classification (06012015). Collection method: clinical testing. Allele origin: germline. Affected: yes.
Comment: This variant is considered likely benign or benign based on one or more of the following criteria: it is a conservative change, it occurs at a poorly conserved position in the protein, it is predicted to be benign by multiple in silico algorithms, and/or has population frequency not consistent with disease.

NM_018006.5(TRMU):c.-25G>A

Gene: TRMU (tRNA mitochondrial 2-thiouridylase; plus strand). Cytogenetic location: 22q13.31.
Variant type: single nucleotide variant.
Coding change: c.-25G>A on transcript NM_018006.5 (MANE Select); 25 bases upstream of the start codon, G replaced by A.
Molecular consequence: 5 prime UTR variant. On other transcripts: non-coding transcript variant (2).
Genome position (GRCh38, 1-based): chr22:46,335,740, G>A. VCF-style: chr22-46335740-G-A. GRCh37 (hg19) VCF-style: chr22-46731637-G-A.
Other names: c.-260G>A (NM_001282782.2); c.-279G>A (NM_001282783.2, NM_001282784.2); c.-25G>A (NM_001282785.2).
Identifiers: ClinVar variation 680919 (VCV000680919.1), dbSNP rs995131564, ClinGen allele CA639643715.
Genomic context (GRCh38, chr22:46,335,740, plus strand): 5'-GCGCGGACCCTACGGCCGGGGCGGGACTTCCGGCAAGGCGCGGAAGCGGCGGTAGCTGCA[G>A]CTGGCGAAGTTGGGCGACTGGCGGATGCAGGCCTTGCGGCACGTCGTGTGCGCCCTGTCC-3'